The following is an entry in ClinVar:

ClinVar aggregate classification (germline): Uncertain significance (1 of 4 stars; one submission).

Conditions:
Dyskeratosis congenita, autosomal recessive 6 (DKCB6). Identifiers: MedGen C4225356, MONDO:0014600, OMIM 616353.
Pulmonary fibrosis and/or bone marrow failure, Telomere-related, 4. Also called: PULMONARY FIBROSIS AND/OR BONE MARROW FAILURE SYNDROME, TELOMERE-RELATED, 4. Identifiers: Orphanet 2032, MedGen C4225347, MONDO:0014612, OMIM 616371.

Submission:

Labcorp Genetics (formerly Invitae), Labcorp
Classification: Uncertain significance for Dyskeratosis congenita, autosomal recessive 6; Pulmonary fibrosis and/or bone marrow failure, Telomere-related, 4. Last evaluated: 2025-11-09. Review status: criteria provided, single submitter. Criteria: Invitae Variant Classification Sherloc (09022015). Collection method: clinical testing. Allele origin: germline.
Comment: This sequence change replaces leucine, which is neutral and non-polar, with valine, which is neutral and non-polar, at codon 569 of the PARN protein (p.Leu569Val). This variant is not present in population databases (gnomAD no frequency). This variant has not been reported in the literature in individuals affected with PARN-related conditions. An algorithm developed to predict the effect of missense changes on protein structure and function (PolyPhen-2) suggests that this variant is likely to be tolerated. In summary, the available evidence is currently insufficient to determine the role of this variant in disease. Therefore, it has been classified as a Variant of Uncertain Significance.

NM_002582.4(PARN):c.1705T>G (p.Leu569Val)

Gene: PARN (poly(A)-specific ribonuclease; minus strand). Cytogenetic location: 16p13.12.
Variant type: single nucleotide variant.
Coding change: c.1705T>G on transcript NM_002582.4 (MANE Select); coding-DNA position 1705, T replaced by G.
Protein change: p.Leu569Val; replaces leucine 569 with valine.
Molecular consequence: missense variant.
Genome position (GRCh38, 1-based): chr16:14,447,047, A>C on the plus strand (T>G on the coding strand, the complement: PARN is on the minus strand). VCF-style: chr16-14447047-A-C. GRCh37 (hg19) VCF-style: chr16-14540904-A-C.
Other names: c.1522T>G, p.Leu508Val (NM_001134477.3); c.1567T>G, p.Leu523Val (NM_001242992.2); short protein forms L508V, L569V, L523V.
Identifiers: ClinVar variation 4786655 (VCV004786655.1).
Genomic context (GRCh38, chr16:14,447,047, plus strand): 5'-TGTCGGAAATCTCCCCTGACACTCCGTCCTCCAGGCCAGCTTCCTCTTGACTAGGACTCA[A>C]ATTTCTCTTTCCTACTGTGCTGGGAGCTGTAAAACTGAAATGCAAAAAGTGGAACAACAT-3'
Protein context (NP_002573.1, residues 559-579): TAPSTVGKRN[Leu569Val]SPSQEEAGLE